The following is an entry in ClinVar:

ClinVar aggregate classification (germline): Uncertain significance (1 of 4 stars; one submission).

Submission:

Labcorp Genetics (formerly Invitae), Labcorp
Classification: Uncertain significance. Last evaluated: 2022-11-10. Review status: criteria provided, single submitter. Criteria: Invitae Variant Classification Sherloc (09022015). Collection method: clinical testing. Allele origin: germline.
Comment: In summary, the available evidence is currently insufficient to determine the role of this variant in disease. Therefore, it has been classified as a Variant of Uncertain Significance. This sequence change replaces aspartic acid, which is acidic and polar, with valine, which is neutral and non-polar, at codon 103 of the NUP133 protein (p.Asp103Val). This variant is not present in population databases (gnomAD no frequency). This variant has not been reported in the literature in individuals affected with NUP133-related conditions. Algorithms developed to predict the effect of missense changes on protein structure and function are either unavailable or do not agree on the potential impact of this missense change (SIFT: "Deleterious"; PolyPhen-2: "Probably Damaging"; Align-GVGD: "Class C0").

NM_018230.3(NUP133):c.308A>T (p.Asp103Val)

Gene: NUP133 (nucleoporin 133; minus strand). Cytogenetic location: 1q42.13.
Variant type: single nucleotide variant.
Coding change: c.308A>T on transcript NM_018230.3 (MANE Select); coding-DNA position 308, A replaced by T.
Protein change: p.Asp103Val; replaces aspartic acid 103 with valine.
Molecular consequence: missense variant.
Genome position (GRCh38, 1-based): chr1:229,502,096, T>A on the plus strand (A>T on the coding strand, the complement: NUP133 is on the minus strand). VCF-style: chr1-229502096-T-A. GRCh37 (hg19) VCF-style: chr1-229637843-T-A.
Other names: short protein forms D103V.
Identifiers: ClinVar variation 2813291 (VCV002813291.3), dbSNP rs2527578623, ClinGen allele CA345170822.